The following is an entry in ClinVar:

ClinVar aggregate classification (germline): Uncertain significance (1 of 4 stars; one submission).

gnomAD v4.1: 1 of 1,549,674 alleles (0.000065%); highest among the groups gnomAD compares: Non-Finnish European, 0.000087%; no homozygotes.

Submission:

Center for Genomic Medicine, Rigshospitalet, Copenhagen University Hospital
Classification: Uncertain significance. Last evaluated: 2025-12-29. Review status: criteria provided, single submitter. Criteria: ACMG Guidelines, 2015. Collection method: clinical testing. Allele origin: germline.
Comment: Classification criteria: PM2_supporting

Literature cited by the submitters: PubMed 29331020; PubMed 31298594; PubMed 33181827.

NM_001142864.4(PIEZO1):c.2726G>T (p.Gly909Val)

Genes: HSALR1 (HSP90AB1 associated lncRNA 1; plus strand), PIEZO1 (piezo type mechanosensitive ion channel component 1 (Er blood group); minus strand). Cytogenetic location: 16q24.3.
Variant type: single nucleotide variant.
Coding change: c.2726G>T on transcript NM_001142864.4 (MANE Select); coding-DNA position 2726, G replaced by T.
Protein change: p.Gly909Val; replaces glycine 909 with valine.
Molecular consequence: missense variant.
Genome position (GRCh38, 1-based): chr16:88,732,671, C>A on the plus strand (G>T on the coding strand, the complement: PIEZO1 is on the minus strand). VCF-style: chr16-88732671-C-A. GRCh37 (hg19) VCF-style: chr16-88799079-C-A.
Other names: short protein forms G909V.
Identifiers: ClinVar variation 4539162 (VCV004539162.1).
Genomic context (GRCh38, chr16:88,732,671, plus strand): 5'-ATGTAGCCCAGGTTGGGGAACCCTTTCCGCACCCCAAACCAGTTGGCAGGGTCCACGGGC[C>A]CCCGGTACAGCAGGGACTGGCTGATCTCCGTGGGCAGCAAGTTGGTGCTGTTGGGGAAGG-3'
Protein context (NP_001136336.2, residues 899-919): TEISQSLLYR[Gly909Val]PVDPANWFGV